The following is an entry in ClinVar:

ClinVar aggregate classification (germline): Uncertain significance (1 of 4 stars; one submission).

Conditions:
Alstrom syndrome (ALMS). Identifiers: Orphanet 64, MedGen C0268425, MONDO:0008763, OMIM 203800.

gnomAD v4.1: 1 of 1,608,686 alleles (0.000062%); highest among the groups gnomAD compares: Non-Finnish European, 0.000085%; no homozygotes.

Submission:

Labcorp Genetics (formerly Invitae), Labcorp
Classification: Uncertain significance for Alstrom syndrome. Last evaluated: 2022-04-23. Review status: criteria provided, single submitter. Criteria: Invitae Variant Classification Sherloc (09022015). Collection method: clinical testing. Allele origin: germline.
Comment: This sequence change replaces valine, which is neutral and non-polar, with aspartic acid, which is acidic and polar, at codon 1642 of the ALMS1 protein (p.Val1642Asp). This variant is not present in population databases (gnomAD no frequency). This variant has not been reported in the literature in individuals affected with ALMS1-related conditions. Experimental studies and prediction algorithms are not available or were not evaluated, and the functional significance of this variant is currently unknown. In summary, the available evidence is currently insufficient to determine the role of this variant in disease. Therefore, it has been classified as a Variant of Uncertain Significance.

NM_001378454.1(ALMS1):c.4922T>A (p.Val1641Asp)

Gene: ALMS1 (ALMS1 centrosome and basal body associated protein; plus strand). Cytogenetic location: 2p13.1.
Variant type: single nucleotide variant.
Coding change: c.4922T>A on transcript NM_001378454.1 (MANE Select); coding-DNA position 4922, T replaced by A.
Protein change: p.Val1641Asp; replaces valine 1641 with aspartic acid.
Molecular consequence: missense variant.
Genome position (GRCh38, 1-based): chr2:73,451,449, T>A. VCF-style: chr2-73451449-T-A. GRCh37 (hg19) VCF-style: chr2-73678576-T-A.
Other names: c.4925T>A, p.Val1642Asp (NM_015120.4); short protein forms V1641D, V1642D.
Identifiers: ClinVar variation 2129617 (VCV002129617.1), dbSNP rs866552089, ClinGen allele CA347279545.